The following is an entry in ClinVar:

NM_015978.3(TNNI3K):c.1396C>T (p.His466Tyr)

Genes: FPGT-TNNI3K (FPGT-TNNI3K readthrough; plus strand), TNNI3K (TNNI3 interacting kinase; plus strand). Cytogenetic location: 1p31.1.
Variant type: single nucleotide variant.
Coding change: c.1396C>T on transcript NM_015978.3 (MANE Select); coding-DNA position 1396, C replaced by T.
Protein change: p.His466Tyr; replaces histidine 466 with tyrosine.
Molecular consequence: missense variant.
Genome position (GRCh38, 1-based): chr1:74,369,096, C>T. VCF-style: chr1-74369096-C-T. GRCh37 (hg19) VCF-style: chr1-74834780-C-T.
Other names: c.1699C>T, p.His567Tyr (NM_001112808.3, NM_001199327.2); short protein forms H567Y, H466Y.
Identifiers: ClinVar variation 4745704 (VCV004745704.1).
Genomic context (GRCh38, chr1:74,369,096, plus strand): 5'-CTCCTCCTAAGAGCTGGATTGCCTTCACATTTCCATCTTCAGCTCTCAGAAATTGAGTTC[C>T]ATGAGATTATTGGCTCAGGTAACCTAAAATAAATAAATAAATAAAGGTCCGGTTTAGTTG-3'
Protein context (NP_057062.1, residues 456-476): FHLQLSEIEF[His466Tyr]EIIGSGSFGK

ClinVar aggregate classification (germline): Uncertain significance (1 of 4 stars; one submission).

gnomAD v4.1: 1 of 1,610,154 alleles (0.000062%); highest among the groups gnomAD compares: Non-Finnish European, 0.000085%; no homozygotes.

Submission:

Labcorp Genetics (formerly Invitae), Labcorp
Classification: Uncertain significance. Last evaluated: 2025-06-15. Review status: criteria provided, single submitter. Criteria: Invitae Variant Classification Sherloc (09022015). Collection method: clinical testing. Allele origin: germline.
Comment: This sequence change replaces histidine, which is basic and polar, with tyrosine, which is neutral and polar, at codon 466 of the TNNI3K protein (p.His466Tyr). This variant is not present in population databases (gnomAD no frequency). This variant has not been reported in the literature in individuals affected with TNNI3K-related conditions. Invitae Evidence Modeling of protein sequence and biophysical properties (such as structural, functional, and spatial information, amino acid conservation, physicochemical variation, residue mobility, and thermodynamic stability) indicates that this missense variant is not expected to disrupt TNNI3K protein function with a negative predictive value of 80%. In summary, the available evidence is currently insufficient to determine the role of this variant in disease. Therefore, it has been classified as a Variant of Uncertain Significance.